The following is an entry in ClinVar:

ClinVar aggregate classification (germline): Likely benign (1 of 4 stars; one submission).

Allele frequency attached by ClinVar (database versions not stated): gnomAD exomes 0.00086; gnomAD 0.00825; TOPMed 0.00923; 1000 Genomes Project 0.01038; 1000 Genomes Project 30x 0.01093.

Submission:

GeneDx
Classification: Likely benign. Last evaluated: 2021-09-23. Review status: criteria provided, single submitter. Criteria: GeneDx Variant Classification Process June 2021. Collection method: clinical testing. Allele origin: germline. Affected: yes.
Comment: See Variant Classification Assertion Criteria.

NM_138459.5(NUS1):c.-185G>A

Gene: NUS1 (NUS1 dehydrodolichyl diphosphate synthase subunit; plus strand). Cytogenetic location: 6q22.1.
Variant type: single nucleotide variant.
Coding change: c.-185G>A on transcript NM_138459.5 (MANE Select); 185 bases upstream of the start codon, G replaced by A.
Molecular consequence: 5 prime UTR variant.
Genome position (GRCh38, 1-based): chr6:117,675,486, G>A. VCF-style: chr6-117675486-G-A. GRCh37 (hg19) VCF-style: chr6-117996649-G-A.
Identifiers: ClinVar variation 1706275 (VCV001706275.2), dbSNP rs192920839, ClinGen allele CA146431348.